The following is an entry in ClinVar:

NM_002691.4(POLD1):c.740A>T (p.Asn247Ile)

Gene: POLD1 (DNA polymerase delta 1, catalytic subunit; plus strand). Cytogenetic location: 19q13.33.
Variant type: single nucleotide variant.
Coding change: c.740A>T on transcript NM_002691.4 (MANE Select); coding-DNA position 740, A replaced by T.
Protein change: p.Asn247Ile; replaces asparagine 247 with isoleucine.
Molecular consequence: missense variant. On other transcripts: non-coding transcript variant (1).
Genome position (GRCh38, 1-based): chr19:50,402,355, A>T. VCF-style: chr19-50402355-A-T. GRCh37 (hg19) VCF-style: chr19-50905612-A-T.
Other names: c.740A>T, p.Asn247Ile (NM_001256849.1, NM_001308632.1); c.740A>T (NM_002691.2); short protein forms N247I.
Identifiers: ClinVar variation 1393399 (VCV001393399.7), dbSNP rs1292667374, ClinGen allele CA406974599.

ClinVar aggregate classification (germline): Uncertain significance. Review status: criteria provided, multiple submitters, no conflicts (2 of 4 stars). 2 submissions from 2 submitters: Uncertain significance (2). Last evaluated 2025-06-30.

Conditions:
POLD1-related polyposis and colorectal cancer syndrome (CRCS10). Also called: Colorectal cancer, susceptibility to, 10; Colorectal cancer 10; COLORECTAL CANCER, SUSCEPTIBILITY TO, ON CHROMOSOME 19q. Identifiers: Orphanet 220460, MedGen C2675481, MONDO:0012953, OMIM 612591.
Hereditary cancer-predisposing syndrome. Also called: Tumor predisposition; Hereditary Cancer Syndrome; Hereditary neoplastic syndrome; Neoplastic Syndromes, Hereditary. Identifiers: Orphanet 140162, MedGen C0027672, MeSH D009386, MONDO:0015356.

Submissions (2):

Labcorp Genetics (formerly Invitae), Labcorp
Classification: Uncertain significance for POLD1-related polyposis and colorectal cancer syndrome. Last evaluated: 2025-06-30. Review status: criteria provided, single submitter. Criteria: Invitae Variant Classification Sherloc (09022015). Collection method: clinical testing. Allele origin: germline.
Comment: This sequence change replaces asparagine, which is neutral and polar, with isoleucine, which is neutral and non-polar, at codon 247 of the POLD1 protein (p.Asn247Ile). This variant is not present in population databases (gnomAD no frequency). This variant has not been reported in the literature in individuals affected with POLD1-related conditions. ClinVar contains an entry for this variant (Variation ID: 1393399). Invitae Evidence Modeling of protein sequence and biophysical properties (such as structural, functional, and spatial information, amino acid conservation, physicochemical variation, residue mobility, and thermodynamic stability) indicates that this missense variant is expected to disrupt POLD1 protein function with a positive predictive value of 80%. In summary, the available evidence is currently insufficient to determine the role of this variant in disease. Therefore, it has been classified as a Variant of Uncertain Significance.

Ambry Genetics
Classification: Uncertain significance for Hereditary cancer-predisposing syndrome. Last evaluated: 2024-12-31. Review status: criteria provided, single submitter. Criteria: Ambry Variant Classification Scheme 2023. Collection method: clinical testing. Allele origin: germline.
Comment: The p.N247I variant (also known as c.740A>T), located in coding exon 5 of the POLD1 gene, results from an A to T substitution at nucleotide position 740. The asparagine at codon 247 is replaced by isoleucine, an amino acid with dissimilar properties. This amino acid position is conserved. In addition, the in silico prediction for this alteration is inconclusive. Based on the available evidence, the clinical significance of this variant remains unclear.